The following is an entry in ClinVar:

ClinVar aggregate classification (germline): Likely benign (1 of 4 stars; one submission).

Submission:

CeGaT Center for Human Genetics Tuebingen
Classification: Likely benign. Last evaluated: 2024-09-01. Review status: criteria provided, single submitter. Criteria: CeGaT Center For Human Genetics Tuebingen Variant Classification Criteria Version 2. Collection method: clinical testing. Allele origin: germline. Affected: yes. Observed: 1 variant allele.
Comment: CTBP1: PP2, BP4, BS2

NM_001012614.2(CTBP1):c.162+80G>A

Gene: CTBP1 (C-terminal binding protein 1; minus strand). Cytogenetic location: 4p16.3.
Variant type: single nucleotide variant.
Coding change: c.162+80G>A on transcript NM_001012614.2 (MANE Select); 80 bases into the intron after coding-DNA position 162, G replaced by A.
Molecular consequence: intron variant.
Genome position (GRCh38, 1-based): chr4:1,238,103, C>T on the plus strand (G>A on the coding strand, the complement: CTBP1 is on the minus strand). VCF-style: chr4-1238103-C-T. GRCh37 (hg19) VCF-style: chr4-1231891-C-T.
Other names: c.162+80G>A (NM_001377192.1, NM_001377189.1, NM_001377193.1 and 4 more transcripts); c.195+80G>A (NM_001328.3, NM_001377186.1).
Identifiers: ClinVar variation 3388522 (VCV003388522.14).